The following is an entry in ClinVar:

NM_018119.4(POLR3E):c.468C>T (p.Asn156=)

Gene: POLR3E (RNA polymerase III subunit E). Cytogenetic location: 16p12.2.
Variant type: single nucleotide variant.
Coding change: c.468C>T on transcript NM_018119.4 (MANE Select); coding-DNA position 468, C replaced by T.
Protein change: p.Asn156=; no amino-acid change (asparagine 156 retained).
Molecular consequence: synonymous variant. On other transcripts: non-coding transcript variant (1).
Genome position (GRCh38, 1-based): chr16:22,313,723, C>T. VCF-style: chr16-22313723-C-T. GRCh37 (hg19) VCF-style: chr16-22325044-C-T.
Other names: c.468C>T, p.Asn156= (NM_001258033.2, NM_001258036.2); c.360C>T, p.Asn120= (NM_001258034.2, NM_001258035.2).
Identifiers: ClinVar variation 2646312 (VCV002646312.24), dbSNP rs768524117, ClinGen allele CA7956664.

ClinVar aggregate classification (germline): Likely benign (1 of 4 stars; one submission).

Allele frequency attached by ClinVar (database versions not stated): TOPMed below 0.00001; ExAC 0.00002.
gnomAD v4.1: 12 of 1,607,078 alleles (0.00075%); highest among the groups gnomAD compares: South Asian, 0.0044%; no homozygotes.

Submission:

CeGaT Center for Human Genetics Tuebingen
Classification: Likely benign. Last evaluated: 2022-04-01. Review status: criteria provided, single submitter. Criteria: CeGaT Center For Human Genetics Tuebingen Variant Classification Criteria Version 2. Collection method: clinical testing. Allele origin: germline. Affected: yes. Observed: 1 variant allele.
Comment: POLR3E: BP4, BP7